The following is an entry in ClinVar:

NM_198253.3(TERT):c.944G>A (p.Arg315His)

Gene: TERT (telomerase reverse transcriptase; minus strand). Cytogenetic location: 5p15.33.
Variant type: single nucleotide variant.
Coding change: c.944G>A on transcript NM_198253.3 (MANE Select); coding-DNA position 944, G replaced by A.
Protein change: p.Arg315His; replaces arginine 315 with histidine.
Molecular consequence: missense variant. On other transcripts: non-coding transcript variant (2).
Genome position (GRCh38, 1-based): chr5:1,293,942, C>T on the plus strand (G>A on the coding strand, the complement: TERT is on the minus strand). VCF-style: chr5-1293942-C-T. GRCh37 (hg19) VCF-style: chr5-1294057-C-T.
Other names: c.944G>A, p.Arg315His (NM_001193376.3); short protein forms R315H.
Identifiers: ClinVar variation 644209 (VCV000644209.11), dbSNP rs1369958224, ClinGen allele CA359056108.

ClinVar aggregate classification (germline): Uncertain significance. Review status: criteria provided, multiple submitters, no conflicts (2 of 4 stars). 2 submissions from 2 submitters: Uncertain significance (2). Last evaluated 2023-08-03.

Conditions:
Dyskeratosis congenita. Identifiers: Orphanet 1775, MedGen C0265965, MONDO:0015780.
Idiopathic Pulmonary Fibrosis. Also called: Idiopathic fibrosing alveolitis, chronic form; idiopathic fibrosing alveolitis. Identifiers: Orphanet 2032, MedGen C1800706, MeSH D054990, MONDO:0800504.
Dyskeratosis congenita, autosomal dominant 2. Identifiers: MedGen C3151443, MONDO:0013521, OMIM 613989.

Allele frequency attached by ClinVar (database versions not stated): gnomAD exomes below 0.00001; TOPMed below 0.00001; gnomAD 0.00001.
gnomAD v4.1: 6 of 1,545,832 alleles (0.00039%); highest among the groups gnomAD compares: Middle Eastern, 0.017%; no homozygotes.

Submissions (2):

Labcorp Genetics (formerly Invitae), Labcorp
Classification: Uncertain significance for Dyskeratosis congenita, autosomal dominant 2; Idiopathic Pulmonary Fibrosis. Last evaluated: 2023-08-03. Review status: criteria provided, single submitter. Criteria: Invitae Variant Classification Sherloc (09022015). Collection method: clinical testing. Allele origin: germline.
Comment: This sequence change replaces arginine, which is basic and polar, with histidine, which is basic and polar, at codon 315 of the TERT protein (p.Arg315His). This variant is not present in population databases (gnomAD no frequency). ClinVar contains an entry for this variant (Variation ID: 644209). Algorithms developed to predict the effect of missense changes on protein structure and function output the following: SIFT: "Not Available"; PolyPhen-2: "Benign"; Align-GVGD: "Not Available". The histidine amino acid residue is found in multiple mammalian species, which suggests that this missense change does not adversely affect protein function. In summary, the available evidence is currently insufficient to determine the role of this variant in disease. Therefore, it has been classified as a Variant of Uncertain Significance. This variant has not been reported in the literature in individuals affected with TERT-related conditions.

Ambry Genetics
Classification: Uncertain significance for Dyskeratosis congenita. Last evaluated: 2022-11-08. Review status: criteria provided, single submitter. Criteria: Ambry Variant Classification Scheme 2023. Collection method: clinical testing. Allele origin: germline.